The following is an entry in ClinVar:

ClinVar aggregate classification (germline): Pathogenic (1 of 4 stars; one submission).

Conditions:
Fanconi anemia (FA). Also called: Fanconi's anemia. Identifiers: Orphanet 84, MedGen C0015625, MeSH D005199, MONDO:0019391.

Submission:

Labcorp Genetics (formerly Invitae), Labcorp
Classification: Pathogenic for Fanconi anemia. Last evaluated: 2023-12-11. Review status: criteria provided, single submitter. Criteria: Invitae Variant Classification Sherloc (09022015). Collection method: clinical testing. Allele origin: germline.
Comment: This sequence change creates a premature translational stop signal (p.Leu865Profs*13) in the SLX4 gene. It is expected to result in an absent or disrupted protein product. Loss-of-function variants in SLX4 are known to be pathogenic (PMID: 21240277). This variant is not present in population databases (gnomAD no frequency). This variant has not been reported in the literature in individuals affected with SLX4-related conditions. For these reasons, this variant has been classified as Pathogenic.

Literature cited by the submitters: PubMed 21240277.

NM_032444.4(SLX4):c.2594_2595del (p.Leu865fs)

Gene: SLX4 (SLX4 structure-specific endonuclease subunit; minus strand). Cytogenetic location: 16p13.3.
Variant type: Microsatellite.
Coding change: c.2594_2595del on transcript NM_032444.4 (MANE Select); coding-DNA positions 2594 to 2595, 2 bases deleted (TC; older notation c.2594_2595delTC).
Protein change: p.Leu865fs; shifts the reading frame from leucine 865.
Molecular consequence: frameshift variant.
Genome position (GRCh38, 1-based): chr16:3,591,043-3,591,044, GA deleted on the plus strand (TC on the coding strand, the reverse complement: SLX4 is on the minus strand); deleting any 2 consecutive bases within chr16:3,591,043-3,591,046 gives the same sequence; the c. name uses the placement nearest the transcript's 3' end. VCF-style (leftmost placement, unchanged base first): chr16-3591042-GGA-G. GRCh37 (hg19) VCF-style: chr16-3641043-GGA-G.
Other names: short protein forms L865fs.
Identifiers: ClinVar variation 2028157 (VCV002028157.4), dbSNP rs2548214240, ClinGen allele CA2580613409.
Genomic context (GRCh38, chr16:3,591,042, plus strand): 5'-CCGGACTGCCACCCTCCAGCCAGTCAGCGTCCTCGCCGGCACCCGCTGCCCTTTCTTCCT[GGA>G]GAAGCTTTCGCTGAGTAGCTGCAAATTCATAAATTTCTTCCATTTCTGCTTCATTCACGT-3'